The following is an entry in ClinVar:

NM_000448.3(RAG1):c.1742T>C (p.Met581Thr)

Gene: RAG1 (recombination activating 1; plus strand). Cytogenetic location: 11p12.
Variant type: single nucleotide variant.
Coding change: c.1742T>C on transcript NM_000448.3 (MANE Select); coding-DNA position 1742, T replaced by C.
Protein change: p.Met581Thr; replaces methionine 581 with threonine.
Molecular consequence: missense variant.
Genome position (GRCh38, 1-based): chr11:36,575,046, T>C. VCF-style: chr11-36575046-T-C. GRCh37 (hg19) VCF-style: chr11-36596596-T-C.
Other names: c.1742T>C, p.Met581Thr (NM_001377277.1, NM_001377278.1, NM_001377279.1 and 1 more transcripts); short protein forms M581T.
Identifiers: ClinVar variation 536959 (VCV000536959.9), dbSNP rs1317842420, ClinGen allele CA380153193.

ClinVar aggregate classification (germline): Uncertain significance. Review status: criteria provided, multiple submitters, no conflicts (2 of 4 stars). 2 submissions from 2 submitters: Uncertain significance (2). Last evaluated 2024-02-24.

Conditions:
Combined immunodeficiency with skin granulomas. Identifiers: Orphanet 157949, MedGen C2673536, MONDO:0009306, OMIM 233650.
Severe combined immunodeficiency, autosomal recessive, T cell-negative, B cell-negative, NK cell-positive. Also called: SCID, AR, T-cell negative, B-cell negative, NK cell-positive; SCID, T CELL-NEGATIVE, B CELL-NEGATIVE, NK CELL-POSITIVE; Severe combined immunodeficiency due to complete RAG1/2 deficiency. Identifiers: Orphanet 331206, MedGen C1832322, MONDO:0011086, OMIM 601457.

Allele frequency attached by ClinVar (database versions not stated): gnomAD exomes 0.00001; TOPMed 0.00001.
gnomAD v4.1: 15 of 1,614,050 alleles (0.00093%); highest among the groups gnomAD compares: Non-Finnish European, 0.0011%; no homozygotes.

Submissions (2):

Labcorp Genetics (formerly Invitae), Labcorp
Classification: Uncertain significance for Combined immunodeficiency with skin granulomas; Severe combined immunodeficiency, autosomal recessive, T cell-negative, B cell-negative, NK cell-positive. Last evaluated: 2024-02-24. Review status: criteria provided, single submitter. Criteria: Invitae Variant Classification Sherloc (09022015). Collection method: clinical testing. Allele origin: germline.
Comment: This sequence change replaces methionine, which is neutral and non-polar, with threonine, which is neutral and polar, at codon 581 of the RAG1 protein (p.Met581Thr). This variant is present in population databases (no rsID available, gnomAD 0.002%). This variant has not been reported in the literature in individuals affected with RAG1-related conditions. ClinVar contains an entry for this variant (Variation ID: 536959). Advanced modeling of protein sequence and biophysical properties (such as structural, functional, and spatial information, amino acid conservation, physicochemical variation, residue mobility, and thermodynamic stability) performed at Invitae indicates that this missense variant is not expected to disrupt RAG1 protein function with a negative predictive value of 80%. In summary, the available evidence is currently insufficient to determine the role of this variant in disease. Therefore, it has been classified as a Variant of Uncertain Significance.

Blueprint Genetics
Classification: Uncertain significance. Last evaluated: 2021-03-24. Review status: criteria provided, single submitter. Criteria: ACMG Guidelines, 2015. Collection method: clinical testing. Allele origin: germline.